The following is an entry in ClinVar:

NM_003664.5(AP3B1):c.1030C>A (p.Arg344Ser)

Gene: AP3B1 (adaptor related protein complex 3 subunit beta 1; minus strand). Cytogenetic location: 5q14.1.
Variant type: single nucleotide variant.
Coding change: c.1030C>A on transcript NM_003664.5 (MANE Select); coding-DNA position 1030, C replaced by A.
Protein change: p.Arg344Ser; replaces arginine 344 with serine.
Molecular consequence: missense variant.
Genome position (GRCh38, 1-based): chr5:78,177,349, G>T on the plus strand (C>A on the coding strand, the complement: AP3B1 is on the minus strand). VCF-style: chr5-78177349-G-T. GRCh37 (hg19) VCF-style: chr5-77473173-G-T.
Other names: c.883C>A, p.Arg295Ser (NM_001271769.2); short protein forms R344S, R295S.
Identifiers: ClinVar variation 1433061 (VCV001433061.7), dbSNP rs753341973, ClinGen allele CA121092701.

ClinVar aggregate classification (germline): Uncertain significance (1 of 4 stars; one submission).

Conditions:
Hermansky-Pudlak syndrome 2 (HPS2). Also called: Platelet defects and oculocutaneous albinism. Identifiers: Orphanet 183678, Orphanet 79430, MedGen C1842362, MONDO:0011997, OMIM 608233.

gnomAD v4.1: 4 of 1,611,938 alleles (0.00025%); highest among the groups gnomAD compares: African/African-American, 0.0013%; no homozygotes.

Submission:

Labcorp Genetics (formerly Invitae), Labcorp
Classification: Uncertain significance for Hermansky-Pudlak syndrome 2. Last evaluated: 2022-02-10. Review status: criteria provided, single submitter. Criteria: Invitae Variant Classification Sherloc (09022015). Collection method: clinical testing. Allele origin: germline.
Comment: In summary, the available evidence is currently insufficient to determine the role of this variant in disease. Therefore, it has been classified as a Variant of Uncertain Significance. Algorithms developed to predict the effect of sequence changes on RNA splicing suggest that this variant may create or strengthen a splice site. Algorithms developed to predict the effect of missense changes on protein structure and function are either unavailable or do not agree on the potential impact of this missense change (SIFT: "Tolerated"; PolyPhen-2: "Possibly Damaging"; Align-GVGD: "Class C0"). This variant has not been reported in the literature in individuals affected with AP3B1-related conditions. This variant is not present in population databases (gnomAD no frequency). This sequence change replaces arginine, which is basic and polar, with serine, which is neutral and polar, at codon 344 of the AP3B1 protein (p.Arg344Ser).